The following is an entry in ClinVar:

NM_000780.4(CYP7A1):c.918_919inv (p.Glu306_Ala307delinsAspSer)

Gene: CYP7A1 (cytochrome P450 family 7 subfamily A member 1; minus strand). Cytogenetic location: 8q12.1.
Variant type: Inversion.
Coding change: c.918_919inv on transcript NM_000780.4 (MANE Select).
Protein change: p.Glu306_Ala307delinsAspSer.
Molecular consequence: missense variant.
Genome position: GRCh38 VCF-style: chr8-58494626-CT-AG. GRCh37 (hg19) VCF-style: chr8-59407185-CT-AG.
Identifiers: ClinVar variation 1911416 (VCV001911416.5), ClinGen allele CA2580078417.

ClinVar aggregate classification (germline): Uncertain significance (1 of 4 stars; one submission).

Submission:

Labcorp Genetics (formerly Invitae), Labcorp
Classification: Uncertain significance. Last evaluated: 2022-08-03. Review status: criteria provided, single submitter. Criteria: Invitae Variant Classification Sherloc (09022015). Collection method: clinical testing. Allele origin: germline.
Comment: In summary, the available evidence is currently insufficient to determine the role of this variant in disease. Therefore, it has been classified as a Variant of Uncertain Significance. Experimental studies and prediction algorithms are not available or were not evaluated, and the functional significance of this variant is currently unknown. This variant has not been reported in the literature in individuals affected with CYP7A1-related conditions. Information on the frequency of this variant in the gnomAD database is not available, as this variant may be reported differently in the database. This variant, c.918_919delinsCT, is a complex sequence change that results in the deletion of 2 and insertion of 2 amino acid(s) in the CYP7A1 protein (p.Glu306_Ala307delinsAspSer).